The following is an entry in ClinVar:

NM_005060.4(RORC):c.253C>T (p.His85Tyr)

Gene: RORC (RAR related orphan receptor C; minus strand). Cytogenetic location: 1q21.3.
Variant type: single nucleotide variant.
Coding change: c.253C>T on transcript NM_005060.4 (MANE Select); coding-DNA position 253, C replaced by T.
Protein change: p.His85Tyr; replaces histidine 85 with tyrosine.
Molecular consequence: missense variant.
Genome position (GRCh38, 1-based): chr1:151,816,709, G>A on the plus strand (C>T on the coding strand, the complement: RORC is on the minus strand). VCF-style: chr1-151816709-G-A. GRCh37 (hg19) VCF-style: chr1-151789185-G-A.
Other names: c.253C>T, p.His85Tyr (LRG_1322t1); c.190C>T, p.His64Tyr (NM_001001523.2, LRG_1322t2); short protein forms H85Y, H64Y.
Identifiers: ClinVar variation 583219 (VCV000583219.12), dbSNP rs142141845, ClinGen allele CA1095955.
Genomic context (GRCh38, chr1:151,816,709, plus strand): 5'-TCGACTTGGCCTCACCATCTCGGGACATGCCCAGCGCCAGGCATTTCTGCAGGCGGCAGT[G>A]CTGGCATCGGTTTCGGCTGGTGCGGTCGATGGGGCAGTTCTGCTGACGGGTGCAGGAGTA-3'
Protein context (NP_005051.2, residues 75-95): IDRTSRNRCQ[His85Tyr]CRLQKCLALG

ClinVar aggregate classification (germline): Uncertain significance. Review status: criteria provided, multiple submitters, no conflicts (2 of 4 stars). 5 submissions from 5 submitters: Uncertain significance (5). Last evaluated 2025-08-27.

Conditions:
Autosomal recessive mendelian susceptibility to mycobacterial diseases due to complete RORgamma receptor deficiency. Also called: Immunodeficiency 42. Identifiers: Orphanet 477857, MedGen C5567647, MONDO:0014710, OMIM 616622.
RORC-related disorder. Also called: RORC-related condition.

Allele frequency attached by ClinVar (database versions not stated): ESP Exome Variant Server 0.00023; gnomAD 0.00025 and 0.00027; gnomAD exomes 0.00027 and 0.00031; 1000 Genomes Project 30x 0.00031; TOPMed 0.00032; ExAC 0.00039; 1000 Genomes Project 0.00040.
gnomAD v4.1: 455 of 1,606,054 alleles (0.028%); highest among the groups gnomAD compares: Middle Eastern, 0.62%; 1 homozygote.

Submissions (5):

PreventionGenetics, part of Exact Sciences
Classification: Uncertain significance for RORC-related condition. Last evaluated: 2025-08-27. Review status: criteria provided, single submitter. Criteria: ACMG Guidelines, 2015. Collection method: clinical testing. Allele origin: germline.
Comment: The RORC c.253C>T variant is predicted to result in the amino acid substitution p.His85Tyr. To our knowledge, this variant has not been reported in the literature. This variant is reported in 0.070% of alleles in individuals of South Asian descent in gnomAD. Although we suspect that this variant may be benign, at this time, the clinical significance of this variant is uncertain due to the absence of conclusive functional and genetic evidence.

Blueprint Genetics
Classification: Uncertain significance. Last evaluated: 2024-11-26. Review status: criteria provided, single submitter. Criteria: ACMG Guidelines, 2015. Collection method: clinical testing. Allele origin: germline.

Labcorp Genetics (formerly Invitae), Labcorp
Classification: Uncertain significance for Autosomal recessive mendelian susceptibility to mycobacterial diseases due to complete RORgamma receptor deficiency. Last evaluated: 2022-10-17. Review status: criteria provided, single submitter. Criteria: Invitae Variant Classification Sherloc (09022015). Collection method: clinical testing. Allele origin: germline.
Comment: This sequence change replaces histidine, which is basic and polar, with tyrosine, which is neutral and polar, at codon 85 of the RORC protein (p.His85Tyr). This variant is present in population databases (rs142141845, gnomAD 0.07%). This variant has not been reported in the literature in individuals affected with RORC-related conditions. ClinVar contains an entry for this variant (Variation ID: 583219). Algorithms developed to predict the effect of missense changes on protein structure and function are either unavailable or do not agree on the potential impact of this missense change (SIFT: "Tolerated"; PolyPhen-2: "Possibly Damaging"; Align-GVGD: "Class C0"). In summary, the available evidence is currently insufficient to determine the role of this variant in disease. Therefore, it has been classified as a Variant of Uncertain Significance.

Department of Pathology and Laboratory Medicine, Sinai Health System
Classification: Uncertain significance for Autosomal recessive mendelian susceptibility to mycobacterial diseases due to complete RORgamma receptor deficiency. Last evaluated: 2021-08-09. Review status: criteria provided, single submitter. Criteria: ACMG Guidelines, 2015. Collection method: research. Allele origin: germline.

Breakthrough Genomics
Classification: Uncertain significance. Review status: criteria provided, single submitter. Criteria: ACMG Guidelines, 2015. Collection method: not provided. Allele origin: germline. Inheritance: Autosomal recessive inheritance. Affected: yes.